The following is an entry in ClinVar:

NM_001372044.2(SHANK3):c.616G>T (p.Val206Leu)

Gene: SHANK3 (SH3 and multiple ankyrin repeat domains 3; plus strand). Cytogenetic location: 22q13.33.
Variant type: single nucleotide variant.
Coding change: c.616G>T on transcript NM_001372044.2 (MANE Select); coding-DNA position 616, G replaced by T.
Protein change: p.Val206Leu; replaces valine 206 with leucine.
Molecular consequence: missense variant.
Genome position (GRCh38, 1-based): chr22:50,678,636, G>T. VCF-style: chr22-50678636-G-T. GRCh37 (hg19) VCF-style: chr22-51117064-G-T.
Other names: c.391G>T, p.Val131Leu (NM_033517.1); short protein forms V131L, V206L.
Identifiers: ClinVar variation 2637691 (VCV002637691.9), dbSNP rs573873623, ClinGen allele CA10325214.
Genomic context (GRCh38, chr22:50,678,636, plus strand): 5'-GTGTTCCAGGCGAACCTGAAGAAGTTCATGGACTACGTCCAGCTGCATAGCACGGACAAG[G>T]TGGCACGCCTGTTGGACAAGGGGCTGGACCCCAACTTCCATGACCCTGACTCAGGAGGTG-3'
Protein context (NP_001358973.1, residues 196-216): DYVQLHSTDK[Val206Leu]ARLLDKGLDP

ClinVar aggregate classification (germline): Conflicting classifications of pathogenicity. Review status: criteria provided, conflicting classifications (1 of 4 stars). 2 submissions from 2 submitters: Uncertain significance (1); Likely benign (1). Last evaluated 2025-08-01.

Allele frequency attached by ClinVar (database versions not stated): 1000 Genomes Project 30x 0.00031; gnomAD 0.00002; TOPMed 0.00002; ExAC 0.00003; gnomAD exomes 0.00003; 1000 Genomes Project 0.00020.

Submissions (2):

CeGaT Center for Human Genetics Tuebingen
Classification: Likely benign. Last evaluated: 2025-08-01. Review status: criteria provided, single submitter. Criteria: CeGaT Center For Human Genetics Tuebingen Variant Classification Criteria Version 2. Collection method: clinical testing. Allele origin: germline. Affected: yes. Observed: 1 variant allele.
Comment: SHANK3: BP5, BS2

Women's Health and Genetics/Laboratory Corporation of America, LabCorp
Classification: Uncertain significance. Last evaluated: 2023-10-12. Review status: criteria provided, single submitter. Criteria: LabCorp Variant Classification Summary - May 2015. Collection method: clinical testing. Allele origin: germline.
Comment: Variant summary: SHANK3 c.616G>T (p.Val206Leu) results in a conservative amino acid change in the encoded protein sequence. Two of two in-silico tools predict a benign effect of the variant on protein function. The variant allele was found at a frequency of 1.6e-05 in 248026 control chromosomes. The available data on variant occurrences in the general population are insufficient to allow any conclusion about variant significance. To our knowledge, no occurrence of c.616G>T in individuals affected with Phelan-McDermid Syndrome and no experimental evidence demonstrating its impact on protein function have been reported. No submitters have cited clinical-significance assessments for this variant to ClinVar after 2014. Based on the evidence outlined above, the variant was classified as uncertain significance.